The following is an entry in ClinVar:

ClinVar aggregate classification (germline): Uncertain significance (1 of 4 stars; one submission).

Conditions:
Regional enteritis. Also called: Enteritis, Granulomatous. Identifiers: MedGen C0678202, MeSH D003424.
Blau syndrome (BLAUS). Also called: GRANULOMATOSIS, FAMILIAL JUVENILE SYSTEMIC; GRANULOMATOSIS, FAMILIAL, BLAU TYPE; GRANULOMATOUS INFLAMMATORY ARTHRITIS, DERMATITIS, AND UVEITIS, FAMILIAL; JABS SYNDROME; ARTHROCUTANEOUVEAL GRANULOMATOSIS. Identifiers: Orphanet 90340, MedGen C5201146, MONDO:0008523, OMIM 186580.

Allele frequency attached by ClinVar (database versions not stated): gnomAD exomes below 0.00001.
gnomAD v4.1: 2 of 1,611,692 alleles (0.00012%); highest among the groups gnomAD compares: Admixed American, 0.0033%; no homozygotes.

Submission:

Labcorp Genetics (formerly Invitae), Labcorp
Classification: Uncertain significance for Regional enteritis; Blau syndrome. Last evaluated: 2025-03-18. Review status: criteria provided, single submitter. Criteria: Invitae Variant Classification Sherloc (09022015). Collection method: clinical testing. Allele origin: germline.
Comment: This sequence change replaces serine, which is neutral and polar, with leucine, which is neutral and non-polar, at codon 566 of the NOD2 protein (p.Ser566Leu). This variant is not present in population databases (gnomAD no frequency). This variant has not been reported in the literature in individuals affected with NOD2-related conditions. ClinVar contains an entry for this variant (Variation ID: 946416). Invitae Evidence Modeling of protein sequence and biophysical properties (such as structural, functional, and spatial information, amino acid conservation, physicochemical variation, residue mobility, and thermodynamic stability) has been performed for this missense variant. However, the output from this modeling did not meet the statistical confidence thresholds required to predict the impact of this variant on NOD2 protein function. In summary, the available evidence is currently insufficient to determine the role of this variant in disease. Therefore, it has been classified as a Variant of Uncertain Significance.

NM_001370466.1(NOD2):c.1616C>T (p.Ser539Leu)

Gene: NOD2 (nucleotide binding oligomerization domain containing 2; plus strand). Cytogenetic location: 16q12.1.
Variant type: single nucleotide variant.
Coding change: c.1616C>T on transcript NM_001370466.1 (MANE Select); coding-DNA position 1616, C replaced by T.
Protein change: p.Ser539Leu; replaces serine 539 with leucine.
Molecular consequence: missense variant. On other transcripts: non-coding transcript variant (1).
Genome position (GRCh38, 1-based): chr16:50,711,608, C>T. VCF-style: chr16-50711608-C-T. GRCh37 (hg19) VCF-style: chr16-50745519-C-T.
Other names: c.1616C>T, p.Ser539Leu (NM_001293557.2); c.1697C>T, p.Ser566Leu (NM_022162.3); short protein forms S539L, S566L.
Identifiers: ClinVar variation 946416 (VCV000946416.10), dbSNP rs908511039, ClinGen allele CA281263277.